The following is an entry in ClinVar:

NM_012414.4(RAB3GAP2):c.3337-6C>T

Gene: RAB3GAP2 (RAB3 GTPase activating non-catalytic protein subunit 2; minus strand). Cytogenetic location: 1q41.
Variant type: single nucleotide variant.
Coding change: c.3337-6C>T on transcript NM_012414.4 (MANE Select); 6 bases into the intron before coding-DNA position 3337, C replaced by T.
Molecular consequence: intron variant.
Genome position (GRCh38, 1-based): chr1:220,157,494, G>A on the plus strand (C>T on the coding strand, the complement: RAB3GAP2 is on the minus strand). VCF-style: chr1-220157494-G-A. GRCh37 (hg19) VCF-style: chr1-220330836-G-A.
Other names: c.3337-6C>T (NM_012414.3).
Identifiers: ClinVar variation 1581629 (VCV001581629.10), dbSNP rs137894782, ClinGen allele CA1402139.

ClinVar aggregate classification (germline): Likely benign. Review status: criteria provided, single submitter (1 of 4 stars). 2 submissions from 2 submitters: Likely benign (1). 1 of the submissions does not count toward it. Last evaluated 2025-07-24.

Conditions:
RAB3GAP2-related disorder. Also called: RAB3GAP2-related condition; RAB3GAP2-related disorders.
Warburg micro syndrome 2 (WARBM2). Also called: MICRO SYNDROME 2. Identifiers: Orphanet 2510, MedGen C3280214, MONDO:0013641, OMIM 614225.
Martsolf syndrome (MARTS). Also called: Congenital cataract with intellectual disability and hypogonadotropic hypogonadism syndrome. Identifiers: Orphanet 1387, MedGen C0796037, MONDO:0023910.

Allele frequency attached by ClinVar (database versions not stated): gnomAD exomes 0.00005; ExAC 0.00007; ESP Exome Variant Server 0.00015; gnomAD 0.00019 and 0.00020; TOPMed 0.00020; 1000 Genomes Project 0.00060; 1000 Genomes Project 30x 0.00062.
gnomAD v4.1: 61 of 1,612,336 alleles (0.0038%); highest among the groups gnomAD compares: African/African-American, 0.071%; no homozygotes.

Submissions (2):

Labcorp Genetics (formerly Invitae), Labcorp
Classification: Likely benign for Martsolf syndrome; Warburg micro syndrome 2. Last evaluated: 2025-07-24. Review status: criteria provided, single submitter. Criteria: Invitae Variant Classification Sherloc (09022015). Collection method: clinical testing. Allele origin: germline.

PreventionGenetics, part of Exact Sciences
Classification: Likely benign for RAB3GAP2-related condition. Last evaluated: 2019-09-18. Review status: no assertion criteria provided. Collection method: clinical testing. Allele origin: germline. Not counted in ClinVar's aggregate classification.
Comment: This variant is classified as likely benign based on ACMG/AMP sequence variant interpretation guidelines (Richards et al. 2015 PMID: 25741868, with internal and published modifications).